The following is an entry in ClinVar:

NM_001174150.2(ARL13B):c.715G>A (p.Glu239Lys)

Gene: ARL13B (ARF like GTPase 13B; plus strand). Cytogenetic location: 3q11.2.
Variant type: single nucleotide variant.
Coding change: c.715G>A on transcript NM_001174150.2 (MANE Select); coding-DNA position 715, G replaced by A.
Protein change: p.Glu239Lys; replaces glutamic acid 239 with lysine.
Molecular consequence: missense variant. On other transcripts: non-coding transcript variant (2).
Genome position (GRCh38, 1-based): chr3:94,039,905, G>A. VCF-style: chr3-94039905-G-A. GRCh37 (hg19) VCF-style: chr3-93758749-G-A.
Other names: c.406G>A, p.Glu136Lys (NM_001174151.2); c.670G>A, p.Glu224Lys (NM_001321328.2); c.394G>A, p.Glu132Lys (NM_144996.4); c.715G>A, p.Glu239Lys (NM_182896.3); short protein forms E239K, E132K, E224K, E136K.
Identifiers: ClinVar variation 469566 (VCV000469566.4), dbSNP rs778540135, ClinGen allele CA2504144.
Genomic context (GRCh38, chr3:94,039,905, plus strand): 5'-AAAGGAAATTTCAATTATTTTTCCTCAAACGATAGAAAACAAAATGAACAGGAGCAGGCT[G>A]AACTCGATGGAACCAGTGGTCTGGCTGAGTTGGACCCAGAACCAACGAATCCTTTCCAGC-3'
Protein context (NP_001167621.1, residues 229-249): ERKQNEQEQA[Glu239Lys]LDGTSGLAEL

ClinVar aggregate classification (germline): Uncertain significance (1 of 4 stars; one submission).

Conditions:
Joubert syndrome 8 (JBTS8). Identifiers: Orphanet 475, MedGen C2676771, MONDO:0012855, OMIM 612291.

Allele frequency attached by ClinVar (database versions not stated): TOPMed below 0.00001; gnomAD 0.00001; gnomAD exomes 0.00001 and 0.00002; ExAC 0.00003.
gnomAD v4.1: 16 of 1,613,924 alleles (0.00099%); highest among the groups gnomAD compares: South Asian, 0.0099%; no homozygotes.

Submission:

Labcorp Genetics (formerly Invitae), Labcorp
Classification: Uncertain significance for Joubert syndrome 8. Last evaluated: 2017-03-19. Review status: criteria provided, single submitter. Criteria: Invitae Variant Classification Sherloc (09022015). Collection method: clinical testing. Allele origin: germline.
Comment: In summary, this variant is a rare missense change that is not predicted to affect protein function. There is no indication that it causes disease, but the available evidence is currently insufficient to prove that conclusively. Therefore, it has been classified as a Variant of Uncertain Significance. Algorithms developed to predict the effect of missense changes on protein structure and function (SIFT, PolyPhen-2, Align-GVGD) all suggest that this variant is likely to be tolerated, but these predictions have not been confirmed by published functional studies. This variant is present in population databases (rs778540135, ExAC 0.01%) but has not been reported in the literature in individuals with an ARL13B-related disease. This sequence change replaces glutamic acid with lysine at codon 239 of the ARL13B protein (p.Glu239Lys). The glutamic acid residue is moderately conserved and there is a small physicochemical difference between glutamic acid and lysine.